The following is an entry in ClinVar:

ClinVar aggregate classification (germline): Uncertain significance (1 of 4 stars; one submission).

Conditions:
BAP1-related tumor predisposition syndrome (TPDS1). Also called: BAP1 tumor predisposition syndrome; COMMON Syndrome; TUMOR PREDISPOSITION SYNDROME 1; Tumor susceptibility linked to germline BAP1 mutations. Identifiers: Orphanet 289539, MedGen C3280492, MONDO:0013692, OMIM 614327.

Submission:

Labcorp Genetics (formerly Invitae), Labcorp
Classification: Uncertain significance for BAP1-related tumor predisposition syndrome. Last evaluated: 2019-11-16. Review status: criteria provided, single submitter. Criteria: Invitae Variant Classification Sherloc (09022015). Collection method: clinical testing. Allele origin: germline.
Comment: This variant has not been reported in the literature in individuals with BAP1-related conditions. Nucleotide substitutions within the consensus splice site are a relatively common cause of aberrant splicing (PMID: 17576681, 9536098). Algorithms developed to predict the effect of sequence changes on RNA splicing suggest that this variant is not likely to affect RNA splicing, but this prediction has not been confirmed by published transcriptional studies. In summary, the available evidence is currently insufficient to determine the role of this variant in disease. Therefore, it has been classified as a Variant of Uncertain Significance. This sequence change falls in intron 4 of the BAP1 gene. It does not directly change the encoded amino acid sequence of the BAP1 protein, but it affects a nucleotide within the consensus splice site of the intron. This variant is not present in population databases (ExAC no frequency).

Literature cited by the submitters: PubMed 17576681; PubMed 9536098.

NM_004656.4(BAP1):c.255+3C>G

Gene: BAP1 (BRCA1 associated deubiquitinase 1; minus strand). Cytogenetic location: 3p21.1.
Variant type: single nucleotide variant.
Coding change: c.255+3C>G on transcript NM_004656.4 (MANE Select); 3 bases into the intron after coding-DNA position 255, C replaced by G.
Molecular consequence: intron variant.
Genome position (GRCh38, 1-based): chr3:52,408,471, G>C on the plus strand (C>G on the coding strand, the complement: BAP1 is on the minus strand). VCF-style: chr3-52408471-G-C. GRCh37 (hg19) VCF-style: chr3-52442487-G-C.
Identifiers: ClinVar variation 961774 (VCV000961774.7), dbSNP rs1053772065, ClinGen allele CA1139658126.